The following is an entry in ClinVar:

NM_022089.4(ATP13A2):c.769T>C (p.Tyr257His)

Gene: ATP13A2 (ATPase cation transporting 13A2; minus strand). Cytogenetic location: 1p36.13.
Variant type: single nucleotide variant.
Coding change: c.769T>C on transcript NM_022089.4 (MANE Select); coding-DNA position 769, T replaced by C.
Protein change: p.Tyr257His; replaces tyrosine 257 with histidine.
Molecular consequence: missense variant.
Genome position (GRCh38, 1-based): chr1:17,000,471, A>G on the plus strand (T>C on the coding strand, the complement: ATP13A2 is on the minus strand). VCF-style: chr1-17000471-A-G. GRCh37 (hg19) VCF-style: chr1-17326966-A-G.
Other names: c.754T>C, p.Tyr252His (NM_001141973.3, NM_001141974.3); short protein forms Y257H, Y252H.
Identifiers: ClinVar variation 572420 (VCV000572420.6), dbSNP rs370403918, ClinGen allele CA637497.

ClinVar aggregate classification (germline): Uncertain significance (1 of 4 stars; one submission).

Conditions:
Kufor-Rakeb syndrome (KRS). Also called: PARKINSON DISEASE 9, AUTOSOMAL RECESSIVE, JUVENILE-ONSET. Identifiers: Orphanet 306674, Orphanet 314632, MedGen C1847640, MONDO:0011706, OMIM 606693.
Autosomal recessive spastic paraplegia type 78. Identifiers: Orphanet 513436, MedGen C5567893, MONDO:0014975, OMIM 617225.

Allele frequency attached by ClinVar (database versions not stated): TOPMed below 0.00001; ExAC 0.00001; gnomAD 0.00001; gnomAD exomes 0.00001; ESP Exome Variant Server 0.00008.
gnomAD v4.1: 19 of 1,613,982 alleles (0.0012%); highest among the groups gnomAD compares: Non-Finnish European, 0.0016%; no homozygotes.

Submission:

Labcorp Genetics (formerly Invitae), Labcorp
Classification: Uncertain significance for Kufor-Rakeb syndrome; Autosomal recessive spastic paraplegia type 78. Last evaluated: 2022-08-18. Review status: criteria provided, single submitter. Criteria: Invitae Variant Classification Sherloc (09022015). Collection method: clinical testing. Allele origin: germline.
Comment: ClinVar contains an entry for this variant (Variation ID: 572420). This variant has not been reported in the literature in individuals affected with ATP13A2-related conditions. This variant is not present in population databases (gnomAD no frequency). This sequence change replaces tyrosine, which is neutral and polar, with histidine, which is basic and polar, at codon 257 of the ATP13A2 protein (p.Tyr257His). Advanced modeling of protein sequence and biophysical properties (such as structural, functional, and spatial information, amino acid conservation, physicochemical variation, residue mobility, and thermodynamic stability) performed at Invitae indicates that this missense variant is not expected to disrupt ATP13A2 protein function. In summary, the available evidence is currently insufficient to determine the role of this variant in disease. Therefore, it has been classified as a Variant of Uncertain Significance.